The following is an entry in ClinVar:

ClinVar aggregate classification (germline): Likely pathogenic (1 of 4 stars; one submission).

Conditions:
Diabetes insipidus, nephrogenic, X-linked. Also called: Nephrogenic Diabetes Insipidus, Type I. Identifiers: Orphanet 223, MedGen C1563705, MONDO:0010581, OMIM 304800.

Submission:

MVZ Medizinische Genetik Mainz
Classification: Likely pathogenic for Diabetes insipidus, nephrogenic, X-linked. Last evaluated: 2023-05-24. Review status: criteria provided, single submitter. Criteria: UK Practice Guidelines For Variant Classification V4 01 2020. Collection method: clinical testing. Allele origin: germline. Inheritance: X-linked dominant inheritance. Affected: yes. Observed: 1 variant allele.
Comment: ACMG Criteria: PP3_MOD,PS3_SUP,PS4_SUP,PM2_SUP,PP1,PP4

NM_000054.7(AVPR2):c.861C>A (p.Phe287Leu)

Gene: AVPR2 (arginine vasopressin receptor 2; plus strand). Cytogenetic location: Xq28.
Variant type: single nucleotide variant.
Coding change: c.861C>A on transcript NM_000054.7 (MANE Select); coding-DNA position 861, C replaced by A.
Protein change: p.Phe287Leu; replaces phenylalanine 287 with leucine.
Molecular consequence: missense variant. On other transcripts: non-coding transcript variant (1).
Genome position (GRCh38, 1-based): chrX:153,906,367, C>A. VCF-style: chrX-153906367-C-A. GRCh37 (hg19) VCF-style: chrX-153171821-C-A.
Other names: c.861C>A, p.Phe287Leu (NM_001146151.3); short protein forms F287L.
Identifiers: ClinVar variation 4857239 (VCV004857239.1).
Genomic context (GRCh38, chrX:153,906,367, plus strand): 5'-CAAGACTGTGAGGATGACGCTAGTGATTGTGGTCGTCTATGTGCTGTGCTGGGCACCCTT[C>A]TTCCTGGTGCAGCTGTGGGCCGCGTGGGACCCGGAGGCACCTCTGGAAGGTGGGTGTAGC-3'
Protein context (NP_000045.1, residues 277-297): VVVYVLCWAP[Phe287Leu]FLVQLWAAWD